The following is an entry in ClinVar:

NM_000350.3(ABCA4):c.1814G>A (p.Trp605Ter)

Gene: ABCA4 (ATP binding cassette subfamily A member 4; minus strand). Cytogenetic location: 1p22.1.
Variant type: single nucleotide variant.
Coding change: c.1814G>A on transcript NM_000350.3 (MANE Select); coding-DNA position 1814, G replaced by A.
Protein change: p.Trp605Ter; replaces tryptophan 605 with a stop codon.
Molecular consequence: nonsense.
Genome position (GRCh38, 1-based): chr1:94,062,700, C>T on the plus strand (G>A on the coding strand, the complement: ABCA4 is on the minus strand). VCF-style: chr1-94062700-C-T. GRCh37 (hg19) VCF-style: chr1-94528256-C-T.
Other names: c.1814G>A, p.Trp605Ter (NM_001425324.1); short protein forms W605*.
Identifiers: ClinVar variation 1455214 (VCV001455214.9), dbSNP rs2101078370, ClinGen allele CA341279614.

ClinVar aggregate classification (germline): Pathogenic/Likely pathogenic. Review status: criteria provided, multiple submitters, no conflicts (2 of 4 stars). 2 submissions from 2 submitters: Pathogenic (1); Likely pathogenic (1). Last evaluated 2025-04-28.

Conditions:
ABCA4-related disorder. Also called: ABCA4-related disorders; ABCA4-related condition. Identifiers: MedGen CN239167.

Submissions (2):

Labcorp Genetics (formerly Invitae), Labcorp
Classification: Pathogenic. Last evaluated: 2025-04-28. Review status: criteria provided, single submitter. Criteria: Invitae Variant Classification Sherloc (09022015). Collection method: clinical testing. Allele origin: germline.
Comment: This sequence change creates a premature translational stop signal (p.Trp605*) in the ABCA4 gene. It is expected to result in an absent or disrupted protein product. Loss-of-function variants in ABCA4 are known to be pathogenic (PMID: 10958761, 24938718, 25312043, 26780318). This variant is not present in population databases (gnomAD no frequency). This premature translational stop signal has been observed in individual(s) with clinical features of ABCA4-related conditions (PMID: 26780318). ClinVar contains an entry for this variant (Variation ID: 1455214). For these reasons, this variant has been classified as Pathogenic.

Blueprint Genetics
Classification: Likely pathogenic for ABCA4-related disorders. Last evaluated: 2019-09-29. Review status: criteria provided, single submitter. Criteria: ACMG Guidelines, 2015. Collection method: clinical testing. Allele origin: germline. Affected: yes. Observed: 2 variant alleles.

Literature cited by the submitters: PubMed 10958761 (cited by Labcorp Genetics (formerly Invitae), Labcorp); PubMed 24938718 (cited by Labcorp Genetics (formerly Invitae), Labcorp); PubMed 25312043 (cited by Labcorp Genetics (formerly Invitae), Labcorp); PubMed 26780318 (cited by Labcorp Genetics (formerly Invitae), Labcorp).